The following is an entry in ClinVar:

NM_000051.4(ATM):c.1803-270T>G

Gene: ATM (ATM serine/threonine kinase; plus strand). Cytogenetic location: 11q22.3.
Variant type: single nucleotide variant.
Coding change: c.1803-270T>G on transcript NM_000051.4 (MANE Select); 270 bases into the intron before coding-DNA position 1803, T replaced by G.
Molecular consequence: intron variant.
Genome position (GRCh38, 1-based): chr11:108,252,547, T>G. VCF-style: chr11-108252547-T-G. GRCh37 (hg19) VCF-style: chr11-108123274-T-G.
Other names: c.1803-270T>G (NM_001351834.2).
Identifiers: ClinVar variation 1803778 (VCV001803778.2), dbSNP rs2497283923, ClinGen allele CA2580083798.

ClinVar aggregate classification (germline): Pathogenic (1 of 4 stars; one submission).

Conditions:
Ataxia-telangiectasia syndrome (AT). Also called: Ataxia-telangiectasia, complementation group D; AT, COMPLEMENTATION GROUP C; ATAXIA-TELANGIECTASIA, COMPLEMENTATION GROUP A; ATAXIA-TELANGIECTASIA, FRESNO VARIANT; Ataxia-telangiectasia; LOUIS-BAR SYNDROME. Identifiers: Orphanet 100, MedGen C0004135, MONDO:0008840, OMIM 208900.

Submission:

COMBGENE, University of Calgary
Classification: Pathogenic for Ataxia-telangiectasia syndrome. Last evaluated: 2022-12-07. Review status: criteria provided, single submitter. Criteria: ACMG Guidelines, 2015. Collection method: research. Allele origin: paternal. Inheritance: Autosomal recessive inheritance. Affected: yes.
Comment: Transcript analyses revealed that c.1803-270T > G results in aberrant inclusion of 56 base pairs of intron 11. In silico tests predicted a premature stop codon as a consequence, suggesting non-functional ATM; and DNA repair analyses confirmed functional loss of ATM.

Literature cited by the submitters: PubMed 35145552.